The following is an entry in ClinVar:

NM_005982.4(SIX1):c.385T>A (p.Tyr129Asn)

Gene: SIX1 (SIX homeobox 1; minus strand). Cytogenetic location: 14q23.1.
Variant type: single nucleotide variant.
Coding change: c.385T>A on transcript NM_005982.4 (MANE Select); coding-DNA position 385, T replaced by A.
Protein change: p.Tyr129Asn; replaces tyrosine 129 with asparagine.
Molecular consequence: missense variant.
Genome position (GRCh38, 1-based): chr14:60,648,805, A>T on the plus strand (T>A on the coding strand, the complement: SIX1 is on the minus strand). VCF-style: chr14-60648805-A-T. GRCh37 (hg19) VCF-style: chr14-61115523-A-T.
Other names: short protein forms Y129N.
Identifiers: ClinVar variation 1710698 (VCV001710698.7), dbSNP rs2502643946, ClinGen allele CA389910427.
Genomic context (GRCh38, chr14:60,648,805, plus strand): 5'-GGTAGGGATTGTGCGCGTACCACTCCCGCAGGACACCCCTCGACTTCTCCTTGAAGCAGT[A>T]GCTGGTCTCCTCGCCGTCCCAGATGGTGCGCGGCAGTGGAAATTTTCGGCGCACCCGATA-3'
Protein context (NP_005973.1, residues 119-139): RTIWDGEETS[Tyr129Asn]CFKEKSRGVL

ClinVar aggregate classification (germline): Conflicting classifications of pathogenicity. Review status: criteria provided, conflicting classifications (1 of 4 stars). 3 submissions from 3 submitters: Likely pathogenic (2); Uncertain significance (1). Last evaluated 2025-12-02.

Conditions:
SIX1-related disorder. Also called: SIX1-related condition.
Autosomal dominant nonsyndromic hearing loss 23. Identifiers: Orphanet 90635, MedGen C1854594, MONDO:0011519, OMIM 605192.
Branchiootic syndrome 3 (BOS3). Also called: BO SYNDROME 3. Identifiers: MedGen C1842124, MONDO:0012025, OMIM 608389.

Submissions (3):

GeneDx
Classification: Likely pathogenic. Last evaluated: 2025-12-02. Review status: criteria provided, single submitter. Criteria: GeneDx Variant Classification Process June 2021. Collection method: clinical testing. Allele origin: germline. Affected: yes.
Comment: Not observed at significant frequency in large population cohorts (gnomAD); In silico analysis supports that this missense variant has a deleterious effect on protein structure/function; Has not been previously published as pathogenic or benign to our knowledge

Labcorp Genetics (formerly Invitae), Labcorp
Classification: Uncertain significance for Autosomal dominant nonsyndromic hearing loss 23; Branchiootic syndrome 3. Last evaluated: 2023-03-08. Review status: criteria provided, single submitter. Criteria: Invitae Variant Classification Sherloc (09022015). Collection method: clinical testing. Allele origin: germline.
Comment: This sequence change replaces tyrosine, which is neutral and polar, with asparagine, which is neutral and polar, at codon 129 of the SIX1 protein (p.Tyr129Asn). This variant is not present in population databases (gnomAD no frequency). This variant has not been reported in the literature in individuals affected with SIX1-related conditions. ClinVar contains an entry for this variant (Variation ID: 1710698). Advanced modeling of protein sequence and biophysical properties (such as structural, functional, and spatial information, amino acid conservation, physicochemical variation, residue mobility, and thermodynamic stability) performed at Invitae indicates that this missense variant is expected to disrupt SIX1 protein function. This variant disrupts the p.Tyr129 amino acid residue in SIX1. Other variant(s) that disrupt this residue have been determined to be pathogenic (PMID: 12843324, 15141091, 16652090, 21254961). This suggests that this residue is clinically significant, and that variants that disrupt this residue are likely to be disease-causing. In summary, the available evidence is currently insufficient to determine the role of this variant in disease. Therefore, it has been classified as a Variant of Uncertain Significance.

Blueprint Genetics
Classification: Likely pathogenic for SIX1-related disorders. Last evaluated: 2019-04-01. Review status: criteria provided, single submitter. Criteria: ACMG Guidelines, 2015. Collection method: clinical testing. Allele origin: germline. Affected: yes. Observed: 1 variant allele.

Literature cited by the submitters: PubMed 12843324 (cited by Labcorp Genetics (formerly Invitae), Labcorp); PubMed 15141091 (cited by Labcorp Genetics (formerly Invitae), Labcorp); PubMed 16652090 (cited by Labcorp Genetics (formerly Invitae), Labcorp); PubMed 21254961 (cited by Labcorp Genetics (formerly Invitae), Labcorp).